The following is an entry in ClinVar:

NM_001005242.3(PKP2):c.1427T>A (p.Ile476Lys)

Gene: PKP2 (plakophilin 2; minus strand). Cytogenetic location: 12p11.21.
Variant type: single nucleotide variant.
Coding change: c.1427T>A on transcript NM_001005242.3 (MANE Select); coding-DNA position 1427, T replaced by A.
Protein change: p.Ile476Lys; replaces isoleucine 476 with lysine.
Molecular consequence: missense variant.
Genome position (GRCh38, 1-based): chr12:32,841,157, A>T on the plus strand (T>A on the coding strand, the complement: PKP2 is on the minus strand). VCF-style: chr12-32841157-A-T. GRCh37 (hg19) VCF-style: chr12-32994091-A-T.
Other names: c.1559T>A, p.Ile520Lys (NM_004572.4); short protein forms I476K, I520K.
Identifiers: ClinVar variation 937260 (VCV000937260.9), dbSNP rs762789806, ClinGen allele CA029282.

ClinVar aggregate classification (germline): Uncertain significance (1 of 4 stars; one submission).

Conditions:
Arrhythmogenic right ventricular dysplasia 9 (ARVD9). Also called: Arrhythmogenic Right Ventricular Dysplasia/Cardiomyopathy 9; ARRHYTHMOGENIC RIGHT VENTRICULAR DYSPLASIA, FAMILIAL, 9. Identifiers: MedGen C1836906, MONDO:0012180, OMIM 609040.

Allele frequency attached by ClinVar (database versions not stated): gnomAD exomes below 0.00001; ExAC 0.00001.

Submission:

Labcorp Genetics (formerly Invitae), Labcorp
Classification: Uncertain significance for Arrhythmogenic right ventricular dysplasia 9. Last evaluated: 2019-10-12. Review status: criteria provided, single submitter. Criteria: Invitae Variant Classification Sherloc (09022015). Collection method: clinical testing. Allele origin: germline.
Comment: This sequence change replaces isoleucine with lysine at codon 520 of the PKP2 protein (p.Ile520Lys). The isoleucine residue is highly conserved and there is a moderate physicochemical difference between isoleucine and lysine. This variant is present in population databases (rs762789806, ExAC 0.002%). This variant has not been reported in the literature in individuals with PKP2-related conditions. Algorithms developed to predict the effect of missense changes on protein structure and function are either unavailable or do not agree on the potential impact of this missense change (SIFT: "Tolerated"; PolyPhen-2: "Possibly Damaging"; Align-GVGD: "Class C0"). In summary, the available evidence is currently insufficient to determine the role of this variant in disease. Therefore, it has been classified as a Variant of Uncertain Significance.